The following is an entry in ClinVar:

NM_004145.4(MYO9B):c.5955G>A (p.Pro1985=)

Gene: MYO9B (myosin IXB; plus strand). Cytogenetic location: 19p13.11.
Variant type: single nucleotide variant.
Coding change: c.5955G>A on transcript NM_004145.4 (MANE Select); coding-DNA position 5955, G replaced by A.
Protein change: p.Pro1985=; no amino-acid change (proline 1985 retained).
Molecular consequence: synonymous variant.
Genome position (GRCh38, 1-based): chr19:17,211,671, G>A. VCF-style: chr19-17211671-G-A. GRCh37 (hg19) VCF-style: chr19-17322480-G-A.
Other names: c.5955G>A, p.Pro1985= (NM_001130065.2).
Identifiers: ClinVar variation 3036971 (VCV003036971.2), dbSNP rs528770345, ClinGen allele CA9288760.

ClinVar aggregate classification (germline): Likely benign (0 of 4 stars; one submission).

Conditions:
MYO9B-related disorder. Also called: MYO9B-related condition.

Allele frequency attached by ClinVar (database versions not stated): TOPMed 0.00002; ExAC 0.00005; gnomAD 0.00005; 1000 Genomes Project 30x 0.00062; 1000 Genomes Project 0.00080.
gnomAD v4.1: 42 of 1,607,678 alleles (0.0026%); highest among the groups gnomAD compares: South Asian, 0.017%; no homozygotes.

Submission:

PreventionGenetics, part of Exact Sciences
Classification: Likely benign for MYO9B-related condition. Last evaluated: 2020-12-30. Review status: no assertion criteria provided. Collection method: clinical testing. Allele origin: germline.
Comment: This variant is classified as likely benign based on ACMG/AMP sequence variant interpretation guidelines (Richards et al. 2015 PMID: 25741868, with internal and published modifications).